The following is an entry in ClinVar:

ClinVar aggregate classification (germline): Uncertain significance. Review status: criteria provided, multiple submitters, no conflicts (2 of 4 stars). 2 submissions from 2 submitters: Uncertain significance (2). Last evaluated 2026-02-23.

Conditions:
MAGEL2-related disorder. Also called: MAGEL2-related condition.

Submissions (2):

GeneDx
Classification: Uncertain significance. Last evaluated: 2026-02-23. Review status: criteria provided, single submitter. Criteria: GeneDx Variant Classification Process June 2021. Collection method: clinical testing. Allele origin: germline.
Comment: Not observed at significant frequency in large population cohorts (gnomAD); In silico analysis supports that this missense variant has a deleterious effect on protein structure/function; Has not been previously published as pathogenic or benign to our knowledge

PreventionGenetics, part of Exact Sciences
Classification: Uncertain significance for MAGEL2-related condition. Last evaluated: 2025-07-11. Review status: criteria provided, single submitter. Criteria: ACMG Guidelines, 2015. Collection method: clinical testing. Allele origin: germline.
Comment: The MAGEL2 c.1325C>A variant is predicted to result in the amino acid substitution p.Pro442Gln. To our knowledge, this variant has not been reported in the literature. This variant is reported in 0.0% of alleles in individuals of African descent in gnomAD. At this time, the clinical significance of this variant is uncertain due to the absence of conclusive functional and genetic evidence.

NM_019066.5(MAGEL2):c.1325C>A (p.Pro442Gln)

Gene: MAGEL2 (MAGE family member L2; minus strand). Cytogenetic location: 15q11.2.
Variant type: single nucleotide variant.
Coding change: c.1325C>A on transcript NM_019066.5 (MANE Select); coding-DNA position 1325, C replaced by A.
Protein change: p.Pro442Gln; replaces proline 442 with glutamine.
Molecular consequence: missense variant.
Genome position (GRCh38, 1-based): chr15:23,646,418, G>T on the plus strand (C>A on the coding strand, the complement: MAGEL2 is on the minus strand). VCF-style: chr15-23646418-G-T. GRCh37 (hg19) VCF-style: chr15-23891565-G-T.
Other names: short protein forms P442Q.
Identifiers: ClinVar variation 3364214 (VCV003364214.3).